The following is an entry in ClinVar:

ClinVar aggregate classification (germline): Uncertain significance (1 of 4 stars; one submission).

Submission:

GeneDx
Classification: Uncertain significance. Last evaluated: 2026-02-01. Review status: criteria provided, single submitter. Criteria: GeneDx Variant Classification Process June 2021. Collection method: clinical testing. Allele origin: germline.
Comment: In silico analysis suggests that this missense variant does not alter protein structure/function; Not observed at significant frequency in large population cohorts (gnomAD); Has not been previously published as pathogenic or benign to our knowledge

NM_006282.5(STK4):c.982G>A (p.Gly328Ser)

Gene: STK4 (serine/threonine kinase 4; plus strand). Cytogenetic location: 20q13.12.
Variant type: single nucleotide variant.
Coding change: c.982G>A on transcript NM_006282.5 (MANE Select); coding-DNA position 982, G replaced by A.
Protein change: p.Gly328Ser; replaces glycine 328 with serine.
Molecular consequence: missense variant.
Genome position (GRCh38, 1-based): chr20:45,001,188, G>A. VCF-style: chr20-45001188-G-A. GRCh37 (hg19) VCF-style: chr20-43629829-G-A.
Other names: c.982G>A, p.Gly328Ser (NM_001352385.2); short protein forms G328S.
Identifiers: ClinVar variation 3363771 (VCV003363771.2).